The following is an entry in ClinVar:

NM_005876.5(SPEG):c.5148G>T (p.Leu1716=)

Gene: SPEG (striated muscle enriched protein kinase; plus strand). Cytogenetic location: 2q35.
Variant type: single nucleotide variant.
Coding change: c.5148G>T on transcript NM_005876.5 (MANE Select); coding-DNA position 5148, G replaced by T.
Protein change: p.Leu1716=; no amino-acid change (leucine 1716 retained).
Molecular consequence: synonymous variant.
Genome position (GRCh38, 1-based): chr2:219,479,845, G>T. VCF-style: chr2-219479845-G-T. GRCh37 (hg19) VCF-style: chr2-220344567-G-T.
Other names: c.5148G>T (NM_005876.4).
Identifiers: ClinVar variation 1175987 (VCV001175987.43), dbSNP rs771611757, ClinGen allele CA2126747.

ClinVar aggregate classification (germline): Likely benign. Review status: criteria provided, multiple submitters, no conflicts (2 of 4 stars). 4 submissions from 4 submitters: Likely benign (3). 1 of the submissions does not count toward it. Last evaluated 2026-08-01.

Conditions:
SPEG-related disorder. Also called: SPEG-related condition.

Allele frequency attached by ClinVar (database versions not stated): TOPMed 0.00006.
gnomAD v4.1: 78 of 1,613,980 alleles (0.0048%); highest among the groups gnomAD compares: Middle Eastern, 0.049%; no homozygotes.

Submissions (4):

CeGaT Center for Human Genetics Tuebingen
Classification: Likely benign. Last evaluated: 2026-08-01. Review status: criteria provided, single submitter. Criteria: CeGaT Center For Human Genetics Tuebingen Variant Classification Criteria Version 2. Collection method: clinical testing. Allele origin: germline. Affected: yes. Observed: 2 variant alleles.
Comment: SPEG: BP4, BP7

Labcorp Genetics (formerly Invitae), Labcorp
Classification: Likely benign. Last evaluated: 2025-01-20. Review status: criteria provided, single submitter. Criteria: Invitae Variant Classification Sherloc (09022015). Collection method: clinical testing. Allele origin: germline.

Blueprint Genetics
Classification: Likely benign. Last evaluated: 2024-10-10. Review status: criteria provided, single submitter. Criteria: ACMG Guidelines, 2015. Collection method: clinical testing. Allele origin: germline.

PreventionGenetics, part of Exact Sciences
Classification: Likely benign for SPEG-related condition. Last evaluated: 2022-03-31. Review status: no assertion criteria provided. Collection method: clinical testing. Allele origin: germline. Not counted in ClinVar's aggregate classification.
Comment: This variant is classified as likely benign based on ACMG/AMP sequence variant interpretation guidelines (Richards et al. 2015 PMID: 25741868, with internal and published modifications).